The following is an entry in ClinVar:

ClinVar aggregate classification (germline): Uncertain significance (1 of 4 stars; one submission).

Allele frequency attached by ClinVar (database versions not stated): gnomAD exomes below 0.00001.
gnomAD v4.1: 1 of 1,613,516 alleles (0.000062%); highest among the groups gnomAD compares: South Asian, 0.0011%; no homozygotes.

Submission:

Labcorp Genetics (formerly Invitae), Labcorp
Classification: Uncertain significance. Last evaluated: 2026-01-12. Review status: criteria provided, single submitter. Criteria: Invitae Variant Classification Sherloc (09022015). Collection method: clinical testing. Allele origin: germline.
Comment: This sequence change replaces glycine, which is neutral and non-polar, with aspartic acid, which is acidic and polar, at codon 2725 of the PCLO protein (p.Gly2725Asp). This variant is present in population databases (no rsID available, gnomAD 0.006%). This variant has not been reported in the literature in individuals affected with PCLO-related conditions. ClinVar contains an entry for this variant (Variation ID: 1389216). An algorithm developed to predict the effect of missense changes on protein structure and function outputs the following: PolyPhen-2: "Not Available". The aspartic acid amino acid residue is found in multiple mammalian species, which suggests that this missense change does not adversely affect protein function. In summary, the available evidence is currently insufficient to determine the role of this variant in disease. Therefore, it has been classified as a Variant of Uncertain Significance.

NM_033026.6(PCLO):c.8174G>A (p.Gly2725Asp)

Gene: PCLO (piccolo presynaptic cytomatrix protein; minus strand). Cytogenetic location: 7q21.11.
Variant type: single nucleotide variant.
Coding change: c.8174G>A on transcript NM_033026.6 (MANE Select); coding-DNA position 8174, G replaced by A.
Protein change: p.Gly2725Asp; replaces glycine 2725 with aspartic acid.
Molecular consequence: missense variant.
Genome position (GRCh38, 1-based): chr7:82,952,779, C>T on the plus strand (G>A on the coding strand, the complement: PCLO is on the minus strand). VCF-style: chr7-82952779-C-T. GRCh37 (hg19) VCF-style: chr7-82582095-C-T.
Other names: c.8174G>A, p.Gly2725Asp (NM_014510.3); short protein forms G2725D.
Identifiers: ClinVar variation 1389216 (VCV001389216.6), dbSNP rs1173153458, ClinGen allele CA367911700.